The following is an entry in ClinVar:

ClinVar aggregate classification (germline): Uncertain significance. Review status: criteria provided, multiple submitters, no conflicts (2 of 4 stars). 2 submissions from 2 submitters: Uncertain significance (2). Last evaluated 2023-10-09.

Conditions:
TTN-related disorder. Also called: TTN-related condition; TTN-related disease; TTN-related disorders.

Allele frequency attached by ClinVar (database versions not stated): gnomAD 0.00002; gnomAD exomes 0.00003; ExAC 0.00005; TOPMed 0.00007.
gnomAD v4.1: 23 of 1,612,792 alleles (0.0014%); highest among the groups gnomAD compares: Admixed American, 0.038%; no homozygotes.

Submissions (2):

PreventionGenetics, part of Exact Sciences
Classification: Uncertain significance for TTN-related condition. Last evaluated: 2023-10-09. Review status: criteria provided, single submitter. Criteria: ACMG Guidelines, 2015. Collection method: clinical testing. Allele origin: germline.
Comment: The TTN c.15175G>A variant is predicted to result in the amino acid substitution p.Asp5059Asn. To our knowledge, this variant has not been reported in the literature. This variant is reported in 0.052% of alleles in individuals of Latino descent in gnomAD. Although we suspect that this variant may be benign, at this time, the clinical significance of this variant is uncertain due to the absence of conclusive functional and genetic evidence.

Revvity Omics, Revvity
Classification: Uncertain significance. Last evaluated: 2023-09-25. Review status: criteria provided, single submitter. Criteria: ACMG Guidelines, 2015. Collection method: clinical testing. Allele origin: germline.

NM_001267550.2(TTN):c.15175G>A (p.Asp5059Asn)

Gene: TTN (titin; minus strand). Cytogenetic location: 2q31.2.
Variant type: single nucleotide variant.
Coding change: c.15175G>A on transcript NM_001267550.2 (MANE Select); coding-DNA position 15175, G replaced by A.
Protein change: p.Asp5059Asn; replaces aspartic acid 5059 with asparagine.
Molecular consequence: missense variant. On other transcripts: intron variant (3).
Genome position (GRCh38, 1-based): chr2:178,734,749, C>T on the plus strand (G>A on the coding strand, the complement: TTN is on the minus strand). VCF-style: chr2-178734749-C-T. GRCh37 (hg19) VCF-style: chr2-179599476-C-T.
Other names: c.14224G>A, p.Asp4742Asn (NM_001256850.1); c.11443G>A, p.Asp3815Asn (NM_133378.4); c.13282+3333G>A (NM_003319.4); c.13858+3333G>A (NM_133437.4); c.13657+3333G>A (NM_133432.3); short protein forms D3815N, D4742N, D5059N.
Identifiers: ClinVar variation 2437481 (VCV002437481.4), dbSNP rs770418360, ClinGen allele CA2002283.